The following is an entry in ClinVar:

ClinVar aggregate classification (germline): Uncertain significance (1 of 4 stars; one submission).

Conditions:
Inborn genetic diseases. Identifiers: MedGen C0950123, MeSH D030342.

Submission:

Ambry Genetics
Classification: Uncertain significance for Inborn genetic diseases. Last evaluated: 2025-04-07. Review status: criteria provided, single submitter. Criteria: Ambry Variant Classification Scheme 2023. Collection method: clinical testing. Allele origin: germline.
Comment: The p.R162G variant (also known as c.484C>G), located in coding exon 6 of the DDX41 gene, results from a C to G substitution at nucleotide position 484. The arginine at codon 162 is replaced by glycine, an amino acid with dissimilar properties. This amino acid position is conserved. In addition, the in silico prediction for this alteration is inconclusive. Based on the available evidence, the clinical significance of this variant remains unclear.

NM_016222.4(DDX41):c.484C>G (p.Arg162Gly)

Gene: DDX41 (DEAD-box helicase 41; minus strand). Cytogenetic location: 5q35.3.
Variant type: single nucleotide variant.
Coding change: c.484C>G on transcript NM_016222.4 (MANE Select); coding-DNA position 484, C replaced by G.
Protein change: p.Arg162Gly; replaces arginine 162 with glycine.
Molecular consequence: missense variant.
Genome position (GRCh38, 1-based): chr5:177,515,772, G>C on the plus strand (C>G on the coding strand, the complement: DDX41 is on the minus strand). VCF-style: chr5-177515772-G-C. GRCh37 (hg19) VCF-style: chr5-176942773-G-C.
Other names: c.106C>G, p.Arg36Gly (NM_001321732.2, NM_001321830.2); short protein forms R162G, R36G.
Identifiers: ClinVar variation 4010308 (VCV004010308.1).
Genomic context (GRCh38, chr5:177,515,772, plus strand): 5'-TCTTGATGGGTGGTGGGATACCGTCTCCCTCCACCAGGATGTGGTATTTCTTCCGCACGC[G>C]CTCATGTCGCTCTTCAGACATGCTCAGAACATAACGGGGTGGAGTCCAGCTGTGGATGGG-3'
Protein context (NP_057306.2, residues 152-172): VLSMSEERHE[Arg162Gly]VRKKYHILVE